The following is an entry in ClinVar:

NM_057175.5(NAA15):c.2110A>T (p.Ser704Cys)

Gene: NAA15 (N-alpha-acetyltransferase 15, NatA auxiliary subunit; plus strand). Cytogenetic location: 4q31.1.
Variant type: single nucleotide variant.
Coding change: c.2110A>T on transcript NM_057175.5 (MANE Select); coding-DNA position 2110, A replaced by T.
Protein change: p.Ser704Cys; replaces serine 704 with cysteine.
Molecular consequence: missense variant.
Genome position (GRCh38, 1-based): chr4:139,378,809, A>T. VCF-style: chr4-139378809-A-T. GRCh37 (hg19) VCF-style: chr4-140299963-A-T.
Other names: c.2110A>T, p.Ser704Cys (NM_001410842.1); short protein forms S704C.
Identifiers: ClinVar variation 3383801 (VCV003383801.1).

ClinVar aggregate classification (germline): Uncertain significance (1 of 4 stars; one submission).

Submission:

GeneDx
Classification: Uncertain significance. Last evaluated: 2024-05-30. Review status: criteria provided, single submitter. Criteria: GeneDx Variant Classification Process June 2021. Collection method: clinical testing. Allele origin: germline. Affected: yes.
Comment: Not observed at significant frequency in large population cohorts (gnomAD); In silico analysis supports that this missense variant has a deleterious effect on protein structure/function; Has not been previously published as pathogenic or benign to our knowledge